The following is an entry in ClinVar:

ClinVar aggregate classification (germline): Likely benign. Review status: criteria provided, multiple submitters, no conflicts (2 of 4 stars). 2 submissions from 2 submitters: Likely benign (2). Last evaluated 2021-07-21.

Conditions:
Partial hypoxanthine-guanine phosphoribosyltransferase deficiency. Also called: GOUT, HPRT-RELATED; HPRT DEFICIENCY, PARTIAL; HYPOXANTHINE GUANINE PHOSPHORIBOSYLTRANSFERASE 1 DEFICIENCY, PARTIAL; HPRT1 DEFICIENCY, PARTIAL; Kelley-Seegmiller Syndrome. Identifiers: Orphanet 79233, MedGen C0268117, MONDO:0010299, OMIM 300323.
Lesch-Nyhan syndrome (LNS). Also called: HPRT DEFICIENCY, COMPLETE; Lesch-Nyhan Disease (LND). Identifiers: Orphanet 510, MedGen C0023374, MONDO:0010298, OMIM 300322.

Submissions (2):

Fulgent Genetics
Classification: Likely benign for Lesch-Nyhan syndrome; Partial hypoxanthine-guanine phosphoribosyltransferase deficiency. Last evaluated: 2021-07-21. Review status: criteria provided, single submitter. Criteria: ACMG Guidelines, 2015. Collection method: clinical testing. Allele origin: unknown.

GeneDx
Classification: Likely benign. Last evaluated: 2021-05-21. Review status: criteria provided, single submitter. Criteria: GeneDx Variant Classification Process June 2021. Collection method: clinical testing. Allele origin: germline. Affected: yes.
Comment: See Variant Classification Assertion Criteria.

NM_000194.3(HPRT1):c.319-8_319-7dup

Gene: HPRT1 (hypoxanthine phosphoribosyltransferase 1; plus strand). Cytogenetic location: Xq26.2.
Variant type: Duplication.
Coding change: c.319-8_319-7dup on transcript NM_000194.3 (MANE Select); 8 bases into the intron before coding-DNA position 319 through 7 bases into the intron before coding-DNA position 319, 2 bases duplicated (TT; older notation c.319-8_319-7dupTT).
Molecular consequence: intron variant.
Genome position (GRCh38, 1-based): chrX:134,486,457-134,486,458, TT duplicated; duplicating any 2 consecutive bases within chrX:134,486,445-134,486,458 gives the same sequence; the c. name uses the placement nearest the transcript's 3' end. VCF-style (leftmost placement, unchanged base first): chrX-134486444-G-GTT. GRCh37 (hg19) VCF-style: chrX-133620474-G-GTT.
Identifiers: ClinVar variation 1695457 (VCV001695457.3), dbSNP rs371480320, ClinGen allele CA10521359.